The following is an entry in ClinVar:

NM_004655.4(AXIN2):c.1952C>G (p.Ser651Trp)

Gene: AXIN2 (axin 2; minus strand). Cytogenetic location: 17q24.1.
Variant type: single nucleotide variant.
Coding change: c.1952C>G on transcript NM_004655.4 (MANE Select); coding-DNA position 1952, C replaced by G.
Protein change: p.Ser651Trp; replaces serine 651 with tryptophan.
Molecular consequence: missense variant.
Genome position (GRCh38, 1-based): chr17:65,536,509, G>C on the plus strand (C>G on the coding strand, the complement: AXIN2 is on the minus strand). VCF-style: chr17-65536509-G-C. GRCh37 (hg19) VCF-style: chr17-63532627-G-C.
Other names: c.1952C>G (LRG_296t1); c.1757C>G, p.Ser586Trp (NM_001363813.1); short protein forms S651W, S586W.
Identifiers: ClinVar variation 464586 (VCV000464586.18), dbSNP rs74006838, ClinGen allele CA400676268.

ClinVar aggregate classification (germline): Conflicting classifications of pathogenicity. Review status: criteria provided, conflicting classifications (1 of 4 stars). 6 submissions from 6 submitters: Uncertain significance (5); Likely benign (1). Last evaluated 2026-01-14.

Conditions:
Colorectal cancer. Also called: Malignant Colorectal Neoplasm; Colorectal cancer, somatic. Identifiers: MedGen C0346629, MONDO:0005575, OMIM 114500.
Oligodontia-cancer predisposition syndrome. Also called: TOOTH AGENESIS-COLORECTAL CANCER SYNDROME. Identifiers: Orphanet 300576, MedGen C1837750, MONDO:0012075, OMIM 608615. Disease mechanism: loss of function.
Hereditary cancer-predisposing syndrome. Also called: Neoplastic Syndromes, Hereditary; Tumor predisposition; Hereditary Cancer Syndrome; Hereditary neoplastic syndrome. Identifiers: Orphanet 140162, MedGen C0027672, MeSH D009386, MONDO:0015356.

gnomAD v4.1: 35 of 1,613,842 alleles (0.0022%); highest among the groups gnomAD compares: Non-Finnish European, 0.003%; no homozygotes.

Submissions (6):

Labcorp Genetics (formerly Invitae), Labcorp
Classification: Uncertain significance for Oligodontia-cancer predisposition syndrome. Last evaluated: 2026-01-14. Review status: criteria provided, single submitter. Criteria: Invitae Variant Classification Sherloc (09022015). Collection method: clinical testing. Allele origin: germline.
Comment: This sequence change replaces serine, which is neutral and polar, with tryptophan, which is neutral and slightly polar, at codon 651 of the AXIN2 protein (p.Ser651Trp). This variant is not present in population databases (gnomAD no frequency). This variant has not been reported in the literature in individuals affected with AXIN2-related conditions. ClinVar contains an entry for this variant (Variation ID: 464586). Invitae Evidence Modeling of protein sequence and biophysical properties (such as structural, functional, and spatial information, amino acid conservation, physicochemical variation, residue mobility, and thermodynamic stability) indicates that this missense variant is not expected to disrupt AXIN2 protein function with a negative predictive value of 80%. In summary, the available evidence is currently insufficient to determine the role of this variant in disease. Therefore, it has been classified as a Variant of Uncertain Significance.

Molecular Pathology, Peter Maccallum Cancer Centre
Classification: Uncertain significance for Oligodontia-cancer predisposition syndrome. Last evaluated: 2025-02-12. Review status: criteria provided, single submitter. Criteria: ACMG Guidelines, 2015. Collection method: clinical testing. Allele origin: germline. Inheritance: Autosomal dominant inheritance.

Baylor Genetics
Classification: Uncertain significance for Colorectal cancer. Last evaluated: 2023-09-20. Review status: criteria provided, single submitter. Criteria: ACMG Guidelines, 2015. Collection method: clinical testing. Allele origin: unknown.

Ambry Genetics
Classification: Likely benign for Hereditary cancer-predisposing syndrome. Last evaluated: 2023-06-07. Review status: criteria provided, single submitter. Criteria: Ambry Variant Classification Scheme 2023. Collection method: clinical testing. Allele origin: germline.

ARUP Laboratories, Molecular Genetics and Genomics, ARUP Laboratories
Classification: Uncertain significance. Last evaluated: 2022-03-18. Review status: criteria provided, single submitter. Criteria: ARUP Molecular Germline Variant Investigation Process 2021. Collection method: clinical testing. Allele origin: germline.
Comment: The AXIN2 c.1952C>G; p.Ser651Trp variant (rs74006838), to our knowledge, is not reported in the medical literature but is reported in ClinVar (Variation ID: 464586). This variant is absent from general population databases (Exome Variant Server, Genome Aggregation Database), indicating it is not a common polymorphism. The serine at codon 651 is weakly conserved, and computational analyses are uncertain whether this variant is neutral or deleterious (REVEL: 0.184). Due to limited information, the clinical significance of the p.Ser651Trp variant is uncertain at this time.

Sema4
Classification: Uncertain significance for Hereditary cancer-predisposing syndrome. Last evaluated: 2021-11-22. Review status: criteria provided, single submitter. Criteria: Sema4 Curation Guidelines. Collection method: curation. Allele origin: germline.
Comment: The AXIN2 c.1952C>G (p.S651W) variant has not been reported in the literature to our knowledge. It was not observed in the large and broad cohorts of the Genome Aggregation Database (PMID: 32461654). This variant has been reported in ClinVar (Variation ID 464586). Functional studies have not been performed, and in silico predictions of the variant's effect on protein function are inconclusive. The overall evidence is insufficient to meet ACMG/AMP criteria for classifying it as benign or pathogenic. In summary, the clinical significance of this variant is currently uncertain.